The following is an entry in ClinVar:

NM_198253.3(TERT):c.2209A>G (p.Asn737Asp)

Gene: TERT (telomerase reverse transcriptase; minus strand). Cytogenetic location: 5p15.33.
Variant type: single nucleotide variant.
Coding change: c.2209A>G on transcript NM_198253.3 (MANE Select); coding-DNA position 2209, A replaced by G.
Protein change: p.Asn737Asp; replaces asparagine 737 with aspartic acid.
Molecular consequence: missense variant. On other transcripts: non-coding transcript variant (2).
Genome position (GRCh38, 1-based): chr5:1,278,718, T>C on the plus strand (A>G on the coding strand, the complement: TERT is on the minus strand). VCF-style: chr5-1278718-T-C. GRCh37 (hg19) VCF-style: chr5-1278833-T-C.
Other names: c.2209A>G, p.Asn737Asp (NM_001193376.3); c.2209A>G (NM_198253.2); short protein forms N737D.
Identifiers: ClinVar variation 1485386 (VCV001485386.10), dbSNP rs933160193, ClinGen allele CA112948943.

ClinVar aggregate classification (germline): Uncertain significance. Review status: criteria provided, multiple submitters, no conflicts (2 of 4 stars). 3 submissions from 3 submitters: Uncertain significance (3). Last evaluated 2024-01-17.

Conditions:
Idiopathic Pulmonary Fibrosis. Also called: Idiopathic fibrosing alveolitis, chronic form; idiopathic fibrosing alveolitis. Identifiers: Orphanet 2032, MedGen C1800706, MeSH D054990, MONDO:0800504.
Dyskeratosis congenita, autosomal dominant 2. Identifiers: MedGen C3151443, MONDO:0013521, OMIM 613989.

Allele frequency attached by ClinVar (database versions not stated): TOPMed 0.00001.

Submissions (3):

GeneDx
Classification: Uncertain significance. Last evaluated: 2024-01-17. Review status: criteria provided, single submitter. Criteria: GeneDx Variant Classification Process June 2021. Collection method: clinical testing. Allele origin: germline. Affected: yes.
Comment: Not observed at significant frequency in large population cohorts (gnomAD); In silico analysis supports that this missense variant does not alter protein structure/function; Has not been previously published as pathogenic or benign to our knowledge

Baylor Genetics
Classification: Uncertain significance for Dyskeratosis congenita, autosomal dominant 2. Last evaluated: 2023-10-27. Review status: criteria provided, single submitter. Criteria: ACMG Guidelines, 2015. Collection method: clinical testing. Allele origin: unknown.

Labcorp Genetics (formerly Invitae), Labcorp
Classification: Uncertain significance for Dyskeratosis congenita, autosomal dominant 2; Idiopathic Pulmonary Fibrosis. Last evaluated: 2023-08-24. Review status: criteria provided, single submitter. Criteria: Invitae Variant Classification Sherloc (09022015). Collection method: clinical testing. Allele origin: germline.
Comment: In summary, the available evidence is currently insufficient to determine the role of this variant in disease. Therefore, it has been classified as a Variant of Uncertain Significance. Advanced modeling of protein sequence and biophysical properties (such as structural, functional, and spatial information, amino acid conservation, physicochemical variation, residue mobility, and thermodynamic stability) has been performed at Invitae for this missense variant, however the output from this modeling did not meet the statistical confidence thresholds required to predict the impact of this variant on TERT protein function. ClinVar contains an entry for this variant (Variation ID: 1485386). This variant has not been reported in the literature in individuals affected with TERT-related conditions. This variant is not present in population databases (gnomAD no frequency). This sequence change replaces asparagine, which is neutral and polar, with aspartic acid, which is acidic and polar, at codon 737 of the TERT protein (p.Asn737Asp).